The following is an entry in ClinVar:

ClinVar aggregate classification (germline): Uncertain significance (1 of 4 stars; one submission).

Conditions:
Neurofibromatosis, type 1 (NF1). Also called: VON RECKLINGHAUSEN DISEASE; NEUROFIBROMATOSIS, TYPE I, SOMATIC; Peripheral type neurofibromatosis; Neurofibromatosis, type I. Identifiers: Orphanet 636, MedGen C0027831, MONDO:0018975, OMIM 162200. Disease mechanism: loss of function.

Allele frequency attached by ClinVar (database versions not stated): gnomAD exomes below 0.00001.
gnomAD v4.1: 1 of 1,614,094 alleles (0.000062%); highest among the groups gnomAD compares: South Asian, 0.0011%; no homozygotes.

Submission:

Labcorp Genetics (formerly Invitae), Labcorp
Classification: Uncertain significance for Neurofibromatosis, type 1. Last evaluated: 2019-11-27. Review status: criteria provided, single submitter. Criteria: Invitae Variant Classification Sherloc (09022015). Collection method: clinical testing. Allele origin: germline.
Comment: This variant is not present in population databases (ExAC no frequency). This variant has not been reported in the literature in individuals with NF1-related disease. Algorithms developed to predict the effect of missense changes on protein structure and function do not agree on the potential impact of this missense change (SIFT: "Tolerated"; PolyPhen-2: "Probably Damaging"; Align-GVGD: "Class C0"). In summary, the available evidence is currently insufficient to determine the role of this variant in disease. Therefore, it has been classified as a Variant of Uncertain Significance. This sequence change replaces glycine with valine at codon 1277 of the NF1 protein (p.Gly1277Val). The glycine residue is moderately conserved and there is a moderate physicochemical difference between glycine and valine.

NM_001042492.3(NF1):c.3830G>T (p.Gly1277Val)

Gene: NF1 (neurofibromin 1; plus strand). Cytogenetic location: 17q11.2.
Variant type: single nucleotide variant.
Coding change: c.3830G>T on transcript NM_001042492.3 (MANE Select); coding-DNA position 3830, G replaced by T.
Protein change: p.Gly1277Val; replaces glycine 1277 with valine.
Molecular consequence: missense variant.
Genome position (GRCh38, 1-based): chr17:31,235,732, G>T. VCF-style: chr17-31235732-G-T. GRCh37 (hg19) VCF-style: chr17-29562750-G-T.
Other names: c.3830G>T, p.Gly1277Val (NM_000267.4); short protein forms G1277V.
Identifiers: ClinVar variation 527496 (VCV000527496.8), dbSNP rs1555615480, ClinGen allele CA398992771.